The following is an entry in ClinVar:

NM_000211.5(ITGB2):c.186C>A (p.Cys62Ter)

Gene: ITGB2 (integrin subunit beta 2; minus strand). Cytogenetic location: 21q22.3.
Variant type: single nucleotide variant.
Coding change: c.186C>A on transcript NM_000211.5 (MANE Select); coding-DNA position 186, C replaced by A.
Protein change: p.Cys62Ter; replaces cysteine 62 with a stop codon.
Molecular consequence: nonsense. On other transcripts: 5 prime UTR variant (1).
Genome position (GRCh38, 1-based): chr21:44,907,057, G>T on the plus strand (C>A on the coding strand, the complement: ITGB2 is on the minus strand). VCF-style: chr21-44907057-G-T. GRCh37 (hg19) VCF-style: chr21-46326972-G-T.
Other names: c.186C>A, p.Cys62Ter (NM_001127491.3); c.-22C>A (NM_001303238.2); short protein forms C62*.
Identifiers: ClinVar variation 2082269 (VCV002082269.6), dbSNP rs778074755, ClinGen allele CA410479911.
Genomic context (GRCh38, chr21:44,907,057, plus strand): 5'-TGTGGGGTCCATGATGTCGTCAGCCGCACAGCCCCTCATGAGCAGCTGTGGCCGGGTGTC[G>T]CAGCGAATGGAGTCAGGATCCCCCGGCCCTGTGAAGTTCTGGGGAGGGGGAGTCAGGGGT-3'

ClinVar aggregate classification (germline): Pathogenic/Likely pathogenic. Review status: criteria provided, multiple submitters, no conflicts (2 of 4 stars). 2 submissions from 2 submitters: Pathogenic (1); Likely pathogenic (1). Last evaluated 2024-12-16.

Conditions:
Leukocyte adhesion deficiency 1 (LAD1). Also called: LEUKOCYTE ADHESION DEFICIENCY, TYPE I; LAD 1; Lymphocyte function-associated antigen 1 immunodeficiency; LFA 1 immunodeficiency. Identifiers: Orphanet 2968, Orphanet 99842, MedGen C0398738, MONDO:0007293, OMIM 116920.

gnomAD v4.1: 1 of 1,610,582 alleles (0.000062%); highest among the groups gnomAD compares: African/African-American, 0.0013%; no homozygotes.

Submissions (2):

Labcorp Genetics (formerly Invitae), Labcorp
Classification: Pathogenic for Leukocyte adhesion deficiency 1. Last evaluated: 2024-12-16. Review status: criteria provided, single submitter. Criteria: Invitae Variant Classification Sherloc (09022015). Collection method: clinical testing. Allele origin: germline.
Comment: This sequence change creates a premature translational stop signal (p.Cys62*) in the ITGB2 gene. It is expected to result in an absent or disrupted protein product. Loss-of-function variants in ITGB2 are known to be pathogenic (PMID: 22134107, 25703682). This variant is not present in population databases (gnomAD no frequency). This premature translational stop signal has been observed in individual(s) with leukocyte adhesion deficiency (PMID: 22134107, 32279896). ClinVar contains an entry for this variant (Variation ID: 2082269). For these reasons, this variant has been classified as Pathogenic.

Neuberg Centre For Genomic Medicine, NCGM
Classification: Likely pathogenic for Leukocyte adhesion deficiency 1. Review status: criteria provided, single submitter. Criteria: ACMG Guidelines, 2015. Collection method: clinical testing. Allele origin: germline. Inheritance: Autosomal recessive inheritance. Affected: yes.
Comment: The stop gained c.186C>A p.Cys62Ter variant in ITGB2 gene has not been reported previously as a pathogenic variant nor as a benign variant, to our knowledge. The p.Cys62Ter variant is novel not in any individuals in gnomAD Exomes and is novel not in any individuals in 1000 Genomes. This variant has not been reported to the ClinVar database. This variant is predicted to cause loss of normal protein function through protein truncation. Loss of function variants have been previously reported to be disease causing. For these reasons, this variant has been classified as Likely Pathogenic.

Literature cited by the submitters: PubMed 22134107 (cited by Labcorp Genetics (formerly Invitae), Labcorp); PubMed 25703682 (cited by Labcorp Genetics (formerly Invitae), Labcorp); PubMed 32279896 (cited by Labcorp Genetics (formerly Invitae), Labcorp).